The following is an entry in ClinVar:

ClinVar aggregate classification (germline): Likely pathogenic. Review status: criteria provided, multiple submitters, no conflicts (2 of 4 stars). 2 submissions from 2 submitters: Likely pathogenic (2). Last evaluated 2025-10-09.

Conditions:
CTR9-related neurodevelopmental disorder. Identifiers: MedGen CN378764, MONDO:1040006.

Allele frequency attached by ClinVar (database versions not stated): gnomAD exomes below 0.00001; ExAC 0.00001.
gnomAD v4.1: 7 of 1,614,182 alleles (0.00043%); highest among the groups gnomAD compares: South Asian, 0.0011%; no homozygotes.

Submissions (2):

Labcorp Genetics (formerly Invitae), Labcorp
Classification: Likely pathogenic. Last evaluated: 2025-10-09. Review status: criteria provided, single submitter. Criteria: Invitae Variant Classification Sherloc (09022015). Collection method: clinical testing. Allele origin: germline.
Comment: This sequence change replaces asparagine, which is neutral and polar, with serine, which is neutral and polar, at codon 455 of the CTR9 protein (p.Asn455Ser). This variant is present in population databases (rs772196842, gnomAD 0.0009%). This missense change has been observed in individual(s) with neurodevelopmental disorder (PMID: 35499524). In at least one individual the variant was observed to be de novo. ClinVar contains an entry for this variant (Variation ID: 1173024). An algorithm developed to predict the effect of missense changes on protein structure and function (PolyPhen-2) suggests that this variant is likely to be disruptive. In summary, the currently available evidence indicates that the variant is pathogenic, but additional data are needed to prove that conclusively. Therefore, this variant has been classified as Likely Pathogenic.

Centre of Medical Genetics, University of Antwerp
Classification: Likely pathogenic for CTR9-related neurodevelopmental disorder. Last evaluated: 2021-04-01. Review status: criteria provided, single submitter. Criteria: ACMG Guidelines, 2015. Collection method: research. Allele origin: de novo. Affected: yes.
Comment: PS2, PM2, PP3

Literature cited by the submitters: PubMed 35499524 (cited by Labcorp Genetics (formerly Invitae), Labcorp).

NM_014633.5(CTR9):c.1364A>G (p.Asn455Ser)

Genes: CTR9 (CTR9 component of Paf1/RNA polymerase II complex; plus strand), LOC126861140 (CDK7 strongly-dependent group 2 enhancer GRCh37_chr11:10785333-10786532; plus strand). Cytogenetic location: 11p15.4.
Variant type: single nucleotide variant.
Coding change: c.1364A>G on transcript NM_014633.5 (MANE Select); coding-DNA position 1364, A replaced by G.
Protein change: p.Asn455Ser; replaces asparagine 455 with serine.
Molecular consequence: missense variant.
Genome position (GRCh38, 1-based): chr11:10,764,387, A>G. VCF-style: chr11-10764387-A-G. GRCh37 (hg19) VCF-style: chr11-10785934-A-G.
Other names: c.1364A>G, p.Asn455Ser (NM_001346279.2); short protein forms N455S.
Identifiers: ClinVar variation 1173024 (VCV001173024.3), dbSNP rs772196842, ClinGen allele CA5885073.